The following is an entry in ClinVar:

ClinVar aggregate classification (germline): Likely benign. Review status: criteria provided, single submitter (1 of 4 stars). 2 submissions from 2 submitters: Likely benign (1). 1 of the submissions does not count toward it. Last evaluated 2018-08-16.

Conditions:
CLEC7A-related disorder. Also called: CLEC7A-related condition.

Allele frequency attached by ClinVar (database versions not stated): ESP Exome Variant Server 0.00092; TOPMed 0.00098; gnomAD 0.00111; 1000 Genomes Project 0.00120; 1000 Genomes Project 30x 0.00141.
gnomAD v4.1: 249 of 1,609,242 alleles (0.015%); highest among the groups gnomAD compares: African/African-American, 0.27%; no homozygotes.

Submissions (2):

Labcorp Genetics (formerly Invitae), Labcorp
Classification: Likely benign. Last evaluated: 2018-08-16. Review status: criteria provided, single submitter. Criteria: Invitae Variant Classification Sherloc (09022015). Collection method: clinical testing. Allele origin: germline.

PreventionGenetics, part of Exact Sciences
Classification: Likely benign for CLEC7A-related condition. Last evaluated: 2023-05-22. Review status: no assertion criteria provided. Collection method: clinical testing. Allele origin: germline. Not counted in ClinVar's aggregate classification.
Comment: This variant is classified as likely benign based on ACMG/AMP sequence variant interpretation guidelines (Richards et al. 2015 PMID: 25741868, with internal and published modifications).

NM_197947.3(CLEC7A):c.739A>T (p.Met247Leu)

Gene: CLEC7A (C-type lectin domain containing 7A; minus strand). Cytogenetic location: 12p13.2.
Variant type: single nucleotide variant.
Coding change: c.739A>T on transcript NM_197947.3 (MANE Select); coding-DNA position 739, A replaced by T.
Protein change: p.Met247Leu; replaces methionine 247 with leucine.
Molecular consequence: missense variant. On other transcripts: 3 prime UTR variant (2), non-coding transcript variant (1).
Genome position (GRCh38, 1-based): chr12:10,118,463, T>A on the plus strand (A>T on the coding strand, the complement: CLEC7A is on the minus strand). VCF-style: chr12-10118463-T-A. GRCh37 (hg19) VCF-style: chr12-10271062-T-A.
Other names: c.601A>T, p.Met201Leu (NM_022570.5); c.*50A>T (NM_197948.3, NM_197949.3); c.502A>T, p.Met168Leu (NM_197950.3); short protein forms M168L, M201L, M247L.
Identifiers: ClinVar variation 718877 (VCV000718877.5), dbSNP rs151164069, ClinGen allele CA6443880.